The following is an entry in ClinVar:

NM_000135.4(FANCA):c.3462C>G (p.Phe1154Leu)

Gene: FANCA (FA complementation group A; minus strand). Cytogenetic location: 16q24.3.
Variant type: single nucleotide variant.
Coding change: c.3462C>G on transcript NM_000135.4 (MANE Select); coding-DNA position 3462, C replaced by G.
Protein change: p.Phe1154Leu; replaces phenylalanine 1154 with leucine.
Molecular consequence: missense variant.
Genome position (GRCh38, 1-based): chr16:89,746,635, G>C on the plus strand (C>G on the coding strand, the complement: FANCA is on the minus strand). VCF-style: chr16-89746635-G-C. GRCh37 (hg19) VCF-style: chr16-89813043-G-C.
Other names: c.3462C>G, p.Phe1154Leu (NM_001286167.3); short protein forms F1154L.
Identifiers: ClinVar variation 2877963 (VCV002877963.3), dbSNP rs956023583, ClinGen allele CA286624354.

ClinVar aggregate classification (germline): Uncertain significance (1 of 4 stars; one submission).

Conditions:
Fanconi anemia (FA). Also called: Fanconi's anemia. Identifiers: Orphanet 84, MedGen C0015625, MeSH D005199, MONDO:0019391.

Allele frequency attached by ClinVar (database versions not stated): gnomAD 0.00001; TOPMed 0.00001.
gnomAD v4.1: 1 of 1,614,080 alleles (0.000062%); highest among the groups gnomAD compares: Non-Finnish European, 0.000085%; no homozygotes.

Submission:

Labcorp Genetics (formerly Invitae), Labcorp
Classification: Uncertain significance for Fanconi anemia. Last evaluated: 2023-11-27. Review status: criteria provided, single submitter. Criteria: Invitae Variant Classification Sherloc (09022015). Collection method: clinical testing. Allele origin: germline.
Comment: This sequence change replaces phenylalanine, which is neutral and non-polar, with leucine, which is neutral and non-polar, at codon 1154 of the FANCA protein (p.Phe1154Leu). This variant is not present in population databases (gnomAD no frequency). This variant has not been reported in the literature in individuals affected with FANCA-related conditions. Advanced modeling of protein sequence and biophysical properties (such as structural, functional, and spatial information, amino acid conservation, physicochemical variation, residue mobility, and thermodynamic stability) performed at Invitae indicates that this missense variant is not expected to disrupt FANCA protein function with a negative predictive value of 80%. In summary, the available evidence is currently insufficient to determine the role of this variant in disease. Therefore, it has been classified as a Variant of Uncertain Significance.